The following is an entry in ClinVar:

NM_198253.3(TERT):c.3196C>A (p.Pro1066Thr)

Gene: TERT (telomerase reverse transcriptase; minus strand). Cytogenetic location: 5p15.33.
Variant type: single nucleotide variant.
Coding change: c.3196C>A on transcript NM_198253.3 (MANE Select); coding-DNA position 3196, C replaced by A.
Protein change: p.Pro1066Thr; replaces proline 1066 with threonine.
Molecular consequence: missense variant. On other transcripts: non-coding transcript variant (2).
Genome position (GRCh38, 1-based): chr5:1,254,467, G>T on the plus strand (C>A on the coding strand, the complement: TERT is on the minus strand). VCF-style: chr5-1254467-G-T. GRCh37 (hg19) VCF-style: chr5-1254582-G-T.
Other names: c.3007C>A, p.Pro1003Thr (NM_001193376.3); short protein forms P1003T, P1066T.
Identifiers: ClinVar variation 4827649 (VCV004827649.1).

ClinVar aggregate classification (germline): Uncertain significance (1 of 4 stars; one submission).

Conditions:
Dyskeratosis congenita. Identifiers: Orphanet 1775, MedGen C0265965, MONDO:0015780.

Submission:

Ambry Genetics
Classification: Uncertain significance for Dyskeratosis congenita. Last evaluated: 2026-03-14. Review status: criteria provided, single submitter. Criteria: Ambry Variant Classification Scheme 2023. Collection method: clinical testing. Allele origin: germline.
Comment: The p.P1066T variant (also known as c.3196C>A), located in coding exon 15 of the TERT gene, results from a C to A substitution at nucleotide position 3196. The proline at codon 1066 is replaced by threonine, an amino acid with highly similar properties. This amino acid position is conserved. In addition, the in silico prediction for this alteration is inconclusive. Based on the available evidence, the clinical significance of this variant remains unclear.